The following is an entry in ClinVar:

ClinVar aggregate classification (germline): Conflicting classifications of pathogenicity. Review status: criteria provided, conflicting classifications (1 of 4 stars). 4 submissions from 4 submitters: Uncertain significance (2); Likely benign (2). Last evaluated 2026-09-14.

Conditions:
RB1-related disorder. Also called: RB1-related condition.
Retinoblastoma (RB1). Also called: RETINOBLASTOMA, SOMATIC. Identifiers: Orphanet 790, MedGen C0035335, MeSH D012175, MONDO:0008380, OMIM 180200, HP:0009919. Disease mechanism: loss of function. Inheritance: Both sporadic and heritable forms are tested..

Allele frequency attached by ClinVar (database versions not stated): TOPMed 0.00010; gnomAD exomes 0.00011 and 0.00017; gnomAD 0.00012; ExAC 0.00028.
gnomAD v4.1: 137 of 1,277,350 alleles (0.011%); highest among the groups gnomAD compares: Middle Eastern, 0.028%; no homozygotes.

Submissions (5):

PreventionGenetics, part of Exact Sciences
Classification: Likely benign for RB1-related condition. Last evaluated: 2026-09-14. Review status: criteria provided, single submitter. Criteria: ACMG Guidelines, 2015. Collection method: clinical testing. Allele origin: germline.
Comment: This variant is classified as likely benign based on ACMG/AMP sequence variant interpretation guidelines (Richards et al. 2015 PMID: 25741868, with internal and published modifications).

Myriad Genetics, Inc.
Classification: Likely benign for Retinoblastoma. Last evaluated: 2026-06-18. Review status: criteria provided, single submitter. Criteria: Myriad Autosomal Dominant, Autosomal Recessive and X-Linked Classification Criteria (2023). Collection method: clinical testing. Allele origin: unknown.
Comment: This variant is considered likely benign. This variant is intronic and is not expected to impact mRNA splicing. This variant has been observed at a population frequency that is significantly greater than expected given the associated disease prevalence and penetrance.

Blueprint Genetics
Classification: Uncertain significance. Last evaluated: 2024-08-22. Review status: criteria provided, single submitter. Criteria: ACMG Guidelines, 2015. Collection method: clinical testing. Allele origin: germline.

Eurofins Ntd Llc (ga)
Classification: Uncertain significance. Last evaluated: 2014-07-15. Review status: criteria provided, single submitter. Criteria: EGL Classification Definitions 2015. Collection method: clinical testing. Allele origin: germline. Observed: 1 variant allele, 1 homozygote.

Dr. Peter K. Rogan Lab, Western University
No classification provided (evidence only). Condition: Malignant tumor of esophagus. Review status: no classification provided. Collection method: in vitro. Allele origin: not applicable. Functional consequence: retained intron. Not counted in ClinVar's aggregate classification.

NM_000321.3(RB1):c.1390-17T>A

Gene: RB1 (RB transcriptional corepressor 1; plus strand). Cytogenetic location: 13q14.2.
Variant type: single nucleotide variant.
Coding change: c.1390-17T>A on transcript NM_000321.3 (MANE Select); 17 bases into the intron before coding-DNA position 1390, T replaced by A.
Molecular consequence: intron variant.
Genome position (GRCh38, 1-based): chr13:48,380,036, T>A. VCF-style: chr13-48380036-T-A. GRCh37 (hg19) VCF-style: chr13-48954172-T-A.
Other names: NC_000013.10:g.48954172T>A; c.1390-17T>A (NM_000321.2).
Identifiers: ClinVar variation 194470 (VCV000194470.9), dbSNP rs794727138, ClinGen allele CA026375.
Genomic context (GRCh38, chr13:48,380,036, plus strand): 5'-AAAAAAAATTCAATGCTGACACAAATAAGGTTTCAATTAAACAACTTCTTTTTTTTTTTT[T>A]AAATTATCTGTTTCAGGAAGAAGAACGATTATCCATTCAAAATTTTAGGTAAATTTTTTA-3'